The following is an entry in ClinVar:

ClinVar aggregate classification (germline): Conflicting classifications of pathogenicity. Review status: criteria provided, conflicting classifications (1 of 4 stars). 3 submissions from 3 submitters: Uncertain significance (2); Likely benign (1). Last evaluated 2025-11-24.

Conditions:
Inborn genetic diseases. Identifiers: MedGen C0950123, MeSH D030342.

Allele frequency attached by ClinVar (database versions not stated): TOPMed 0.00006; ExAC 0.00008; ESP Exome Variant Server 0.00008; gnomAD exomes 0.00010 and 0.00018.
gnomAD v4.1: 271 of 1,613,574 alleles (0.017%); highest among the groups gnomAD compares: Non-Finnish European, 0.022%; no homozygotes.

Submissions (3):

Labcorp Genetics (formerly Invitae), Labcorp
Classification: Uncertain significance. Last evaluated: 2025-11-24. Review status: criteria provided, single submitter. Criteria: Invitae Variant Classification Sherloc (09022015). Collection method: clinical testing. Allele origin: germline.
Comment: This sequence change replaces arginine, which is basic and polar, with histidine, which is basic and polar, at codon 65 of the DNA2 protein (p.Arg65His). This variant is present in population databases (rs182312393, gnomAD 0.02%). This variant has not been reported in the literature in individuals affected with DNA2-related conditions. ClinVar contains an entry for this variant (Variation ID: 1419334). Invitae Evidence Modeling of protein sequence and biophysical properties (such as structural, functional, and spatial information, amino acid conservation, physicochemical variation, residue mobility, and thermodynamic stability) indicates that this missense variant is not expected to disrupt DNA2 protein function with a negative predictive value of 80%. In summary, the available evidence is currently insufficient to determine the role of this variant in disease. Therefore, it has been classified as a Variant of Uncertain Significance.

Ambry Genetics
Classification: Likely benign for Inborn genetic diseases. Last evaluated: 2025-01-08. Review status: criteria provided, single submitter. Criteria: Ambry Variant Classification Scheme 2023. Collection method: clinical testing. Allele origin: germline.

GeneDx
Classification: Uncertain significance. Last evaluated: 2024-12-05. Review status: criteria provided, single submitter. Criteria: GeneDx Variant Classification Process June 2021. Collection method: clinical testing. Allele origin: germline. Affected: yes.
Comment: Has not been previously published as pathogenic or benign to our knowledge; In silico analysis indicates that this missense variant does not alter protein structure/function

NM_001080449.3(DNA2):c.194G>A (p.Arg65His)

Gene: DNA2 (DNA replication helicase/nuclease 2; minus strand). Cytogenetic location: 10q21.3.
Variant type: single nucleotide variant.
Coding change: c.194G>A on transcript NM_001080449.3 (MANE Select); coding-DNA position 194, G replaced by A.
Protein change: p.Arg65His; replaces arginine 65 with histidine.
Molecular consequence: missense variant. On other transcripts: non-coding transcript variant (1).
Genome position (GRCh38, 1-based): chr10:68,470,044, C>T on the plus strand (G>A on the coding strand, the complement: DNA2 is on the minus strand). VCF-style: chr10-68470044-C-T. GRCh37 (hg19) VCF-style: chr10-70229801-C-T.
Other names: c.194G>A (NM_001080449.2); short protein forms R65H.
Identifiers: ClinVar variation 1419334 (VCV001419334.10), dbSNP rs182312393, ClinGen allele CA5525357.